The following is an entry in ClinVar:

ClinVar aggregate classification (germline): Pathogenic (1 of 4 stars; one submission).

Conditions:
Waardenburg syndrome type 4C (WS4C). Also called: WAARDENBURG SYNDROME WITH HIRSCHSPRUNG DISEASE, TYPE 4C. Identifiers: Orphanet 897, MedGen C2750452, MONDO:0013202, OMIM 613266.

Submission:

Institute of Rare Diseases, West China Hospital, Sichuan University
Classification: Pathogenic for Waardenburg syndrome type 4C. Last evaluated: 2025-01-09. Review status: criteria provided, single submitter. Criteria: ClinGen HL ACMG Specifications v1. Collection method: research. Allele origin: germline. Affected: yes.
Comment: PVS1;PP4;PM2_Supporting

NM_006941.4(SOX10):c.78dup (p.Ser27fs)

Genes: POLR2F (RNA polymerase II, I and III subunit F; plus strand), SOX10 (SRY-box transcription factor 10; minus strand). Cytogenetic location: 22q13.1.
Variant type: Duplication.
Coding change: c.78dup on transcript NM_006941.4 (MANE Select); coding-DNA position 78, one base duplicated (G; older notation c.78dupG).
Protein change: p.Ser27fs; shifts the reading frame from serine 27.
Molecular consequence: frameshift variant. On other transcripts: intron variant (3).
Genome position (GRCh38, 1-based): chr22:37,983,707, C duplicated on the plus strand (G on the coding strand, the reverse complement: SOX10 is on the minus strand); the first of 4 consecutive C bases (chr22:37,983,707-37,983,710); duplicating any one gives the same sequence. VCF-style (leftmost placement, unchanged base first): chr22-37983706-T-TC. GRCh37 (hg19) VCF-style: chr22-38379713-T-TC.
Other names: c.*38+11400dup (NM_001363825.1); c.294-2444dup (NM_001301130.2); c.293+16540dup (NM_001301131.2); short protein forms S27fs.
Identifiers: ClinVar variation 3601855 (VCV003601855.1).